The following is an entry in ClinVar:

NM_001042492.3(NF1):c.1430_1435del (p.Phe477_Glu479delinsTer)

Gene: NF1 (neurofibromin 1; plus strand). Cytogenetic location: 17q11.2.
Variant type: Deletion.
Coding change: c.1430_1435del on transcript NM_001042492.3 (MANE Select); coding-DNA positions 1430 to 1435, 6 bases deleted (TTAAAG; older notation c.1430_1435delTTAAAG).
Protein change: p.Phe477_Glu479delinsTer.
Molecular consequence: nonsense.
Genome position (GRCh38, 1-based): chr17:31,214,488-31,214,493, TTAAAG deleted. VCF-style (leftmost placement, unchanged base first): chr17-31214487-TTTAAAG-T. GRCh37 (hg19) VCF-style: chr17-29541505-TTTAAAG-T.
Other names: c.1430_1435del, p.Phe477_Glu479delinsTer (NM_000267.4, NM_001128147.3).
Identifiers: ClinVar variation 4712617 (VCV004712617.1).

ClinVar aggregate classification (germline): Pathogenic (1 of 4 stars; one submission).

Conditions:
Neurofibromatosis, type 1 (NF1). Also called: VON RECKLINGHAUSEN DISEASE; Peripheral type neurofibromatosis; NEUROFIBROMATOSIS, TYPE I, SOMATIC; Neurofibromatosis, type I. Identifiers: Orphanet 636, MedGen C0027831, MONDO:0018975, OMIM 162200. Disease mechanism: loss of function.

Submission:

Labcorp Genetics (formerly Invitae), Labcorp
Classification: Pathogenic for Neurofibromatosis, type 1. Last evaluated: 2025-02-09. Review status: criteria provided, single submitter. Criteria: Invitae Variant Classification Sherloc (09022015). Collection method: clinical testing. Allele origin: germline.
Comment: This sequence change creates a premature translational stop signal (p.Phe477*) in the NF1 gene. It is expected to result in an absent or disrupted protein product. Loss-of-function variants in NF1 are known to be pathogenic (PMID: 10712197, 23913538). This variant is not present in population databases (gnomAD no frequency). This variant has not been reported in the literature in individuals affected with NF1-related conditions. For these reasons, this variant has been classified as Pathogenic.

Literature cited by the submitters: PubMed 10712197; PubMed 23913538.